The following is an entry in ClinVar:

NM_033004.4(NLRP1):c.262G>A (p.Glu88Lys)

Gene: NLRP1 (NLR family pyrin domain containing 1; minus strand). Cytogenetic location: 17p13.2.
Variant type: single nucleotide variant.
Coding change: c.262G>A on transcript NM_033004.4 (MANE Select); coding-DNA position 262, G replaced by A.
Protein change: p.Glu88Lys; replaces glutamic acid 88 with lysine.
Molecular consequence: missense variant.
Genome position (GRCh38, 1-based): chr17:5,583,696, C>T on the plus strand (G>A on the coding strand, the complement: NLRP1 is on the minus strand). VCF-style: chr17-5583696-C-T. GRCh37 (hg19) VCF-style: chr17-5487016-C-T.
Other names: c.262G>A, p.Glu88Lys (NM_001033053.3, NM_014922.5, NM_033006.4 and 1 more transcripts); short protein forms E88K.
Identifiers: ClinVar variation 3713038 (VCV003713038.2).
Genomic context (GRCh38, chr17:5,583,696, plus strand): 5'-CATGAGGGCCAGGGGATGTCCCGCGGGCAGTGGGGTCCTCTGTCCACTCACCTGCCCCTT[C>T]CTGGGCTTGGGCGCACAGTGACCTCAGCCCCATCTGCTCCCAGGTATGGAGGGCTAGGTC-3'
Protein context (NP_127497.1, residues 78-98): GLRSLCAQAQ[Glu88Lys]GAGHSPSFPY

ClinVar aggregate classification (germline): Uncertain significance (1 of 4 stars; one submission).

gnomAD v4.1: 20 of 1,553,902 alleles (0.0013%); highest among the groups gnomAD compares: South Asian, 0.023%; no homozygotes.

Submission:

Labcorp Genetics (formerly Invitae), Labcorp
Classification: Uncertain significance. Last evaluated: 2025-01-19. Review status: criteria provided, single submitter. Criteria: Invitae Variant Classification Sherloc (09022015). Collection method: clinical testing. Allele origin: germline.
Comment: This sequence change replaces glutamic acid, which is acidic and polar, with lysine, which is basic and polar, at codon 88 of the NLRP1 protein (p.Glu88Lys). This variant is present in population databases (rs562032379, gnomAD 0.03%). This variant has not been reported in the literature in individuals affected with NLRP1-related conditions. An algorithm developed to predict the effect of missense changes on protein structure and function outputs the following: PolyPhen-2: "Benign". The lysine amino acid residue is found in multiple mammalian species, which suggests that this missense change does not adversely affect protein function. In summary, the available evidence is currently insufficient to determine the role of this variant in disease. Therefore, it has been classified as a Variant of Uncertain Significance.